The following is an entry in ClinVar:

NM_001127208.3(TET2):c.74G>T (p.Cys25Phe)

Genes: TET2 (tet methylcytosine dioxygenase 2; plus strand), TET2-AS1 (TET2 antisense RNA 1; minus strand). Cytogenetic location: 4q24.
Variant type: single nucleotide variant.
Coding change: c.74G>T on transcript NM_001127208.3 (MANE Select); coding-DNA position 74, G replaced by T.
Protein change: p.Cys25Phe; replaces cysteine 25 with phenylalanine.
Molecular consequence: missense variant.
Genome position (GRCh38, 1-based): chr4:105,234,016, G>T. VCF-style: chr4-105234016-G-T. GRCh37 (hg19) VCF-style: chr4-106155173-G-T.
Other names: c.74G>T, p.Cys25Phe (NM_017628.4); short protein forms C25F.
Identifiers: ClinVar variation 2899265 (VCV002899265.3), dbSNP rs762289112, ClinGen allele CA3031438.

ClinVar aggregate classification (germline): Uncertain significance. Review status: criteria provided, multiple submitters, no conflicts (2 of 4 stars). 2 submissions from 2 submitters: Uncertain significance (2). Last evaluated 2024-10-04.

Allele frequency attached by ClinVar (database versions not stated): gnomAD 0.00001; gnomAD exomes 0.00001; ExAC 0.00002; TOPMed 0.00003.
gnomAD v4.1: 20 of 1,613,892 alleles (0.0012%); highest among the groups gnomAD compares: Non-Finnish European, 0.0014%; no homozygotes.

Submissions (2):

Ambry Genetics
Classification: Uncertain significance. Last evaluated: 2024-10-04. Review status: criteria provided, single submitter. Criteria: Ambry Variant Classification Scheme 2023. Collection method: clinical testing. Allele origin: germline.
Comment: The p.C25F variant (also known as c.74G>T), located in coding exon 1 of the TET2 gene, results from a G to T substitution at nucleotide position 74. The cysteine at codon 25 is replaced by phenylalanine, an amino acid with highly dissimilar properties. This amino acid position is conserved. In addition, this alteration is predicted to be tolerated by in silico analysis. Based on the available evidence, the clinical significance of this variant remains unclear.

Labcorp Genetics (formerly Invitae), Labcorp
Classification: Uncertain significance. Last evaluated: 2023-12-27. Review status: criteria provided, single submitter. Criteria: Invitae Variant Classification Sherloc (09022015). Collection method: clinical testing. Allele origin: germline.
Comment: This sequence change replaces cysteine, which is neutral and slightly polar, with phenylalanine, which is neutral and non-polar, at codon 25 of the TET2 protein (p.Cys25Phe). This variant is present in population databases (rs762289112, gnomAD 0.007%). This variant has not been reported in the literature in individuals affected with TET2-related conditions. An algorithm developed to predict the effect of missense changes on protein structure and function (PolyPhen-2) suggests that this variant is likely to be disruptive. In summary, the available evidence is currently insufficient to determine the role of this variant in disease. Therefore, it has been classified as a Variant of Uncertain Significance.